The following is an entry in ClinVar:

ClinVar aggregate classification (germline): Uncertain significance (1 of 4 stars; one submission).

Conditions:
Developmental and epileptic encephalopathy, 53. Also called: Epileptic encephalopathy, early infantile, 53. Identifiers: MedGen C4479313, MONDO:0033362, OMIM 617389.
Early-onset Parkinson disease 20. Also called: PARKINSON DISEASE 20, AUTOSOMAL RECESSIVE EARLY-ONSET. Identifiers: Orphanet 391411, MedGen C3809824, MONDO:0014233, OMIM 615530.

Submission:

Labcorp Genetics (formerly Invitae), Labcorp
Classification: Uncertain significance for Developmental and epileptic encephalopathy, 53; Early-onset Parkinson disease 20. Last evaluated: 2021-11-03. Review status: criteria provided, single submitter. Criteria: Invitae Variant Classification Sherloc (09022015). Collection method: clinical testing. Allele origin: germline.
Comment: In summary, the available evidence is currently insufficient to determine the role of this variant in disease. Therefore, it has been classified as a Variant of Uncertain Significance. Algorithms developed to predict the effect of missense changes on protein structure and function are either unavailable or do not agree on the potential impact of this missense change (SIFT: "Tolerated"; PolyPhen-2: "Probably Damaging"; Align-GVGD: "Class C0"). This variant has not been reported in the literature in individuals affected with SYNJ1-related conditions. This variant is not present in population databases (gnomAD no frequency). This sequence change replaces alanine, which is neutral and non-polar, with glycine, which is neutral and non-polar, at codon 184 of the SYNJ1 protein (p.Ala184Gly).

NM_203446.3(SYNJ1):c.434C>G (p.Ala145Gly)

Gene: SYNJ1 (synaptojanin 1; minus strand). Cytogenetic location: 21q22.11.
Variant type: single nucleotide variant.
Coding change: c.434C>G on transcript NM_203446.3 (MANE Select); coding-DNA position 434, C replaced by G.
Protein change: p.Ala145Gly; replaces alanine 145 with glycine.
Molecular consequence: missense variant.
Genome position (GRCh38, 1-based): chr21:32,699,883, G>C on the plus strand (C>G on the coding strand, the complement: SYNJ1 is on the minus strand). VCF-style: chr21-32699883-G-C. GRCh37 (hg19) VCF-style: chr21-34072193-G-C.
Other names: c.434C>G, p.Ala145Gly (NM_001160302.2, NM_001160306.2); c.551C>G, p.Ala184Gly (NM_003895.4); short protein forms A145G, A184G.
Identifiers: ClinVar variation 1381024 (VCV001381024.6), dbSNP rs111886678, ClinGen allele CA410101201.
Genomic context (GRCh38, chr21:32,699,883, plus strand): 5'-AAAAAATGAACTCACCAGAAAAATCTATTATCAGTTGTCTGTTCTTGCATGCTACGATGC[G>C]CATTAAGACTCAAATCTAAACTGATGCCAGATGCAGACCATGCAAAATAAAAGTTTCCTG-3'
Protein context (NP_982271.3, residues 135-155): SGISLDLSLN[Ala145Gly]HRSMQEQTTD